The following is an entry in ClinVar:

ClinVar aggregate classification (germline): Uncertain significance (1 of 4 stars; one submission).

Conditions:
Bloom syndrome (BLM). Also called: Bloom-Torre-Machacek syndrome. Identifiers: Orphanet 125, MedGen C0005859, MONDO:0008876, OMIM 210900.

gnomAD v4.1: 6 of 1,604,782 alleles (0.00037%); highest among the groups gnomAD compares: Non-Finnish European, 0.00051%; no homozygotes.

Submission:

Labcorp Genetics (formerly Invitae), Labcorp
Classification: Uncertain significance for Bloom syndrome. Last evaluated: 2025-03-28. Review status: criteria provided, single submitter. Criteria: Invitae Variant Classification Sherloc (09022015). Collection method: clinical testing. Allele origin: germline.
Comment: This sequence change replaces threonine, which is neutral and polar, with isoleucine, which is neutral and non-polar, at codon 742 of the BLM protein (p.Thr742Ile). This variant is not present in population databases (gnomAD no frequency). This variant has not been reported in the literature in individuals affected with BLM-related conditions. Invitae Evidence Modeling of protein sequence and biophysical properties (such as structural, functional, and spatial information, amino acid conservation, physicochemical variation, residue mobility, and thermodynamic stability) indicates that this missense variant is expected to disrupt BLM protein function with a positive predictive value of 80%. In summary, the available evidence is currently insufficient to determine the role of this variant in disease. Therefore, it has been classified as a Variant of Uncertain Significance.

NM_000057.4(BLM):c.2225C>T (p.Thr742Ile)

Gene: BLM (BLM RecQ like helicase; plus strand). Cytogenetic location: 15q26.1.
Variant type: single nucleotide variant.
Coding change: c.2225C>T on transcript NM_000057.4 (MANE Select); coding-DNA position 2225, C replaced by T.
Protein change: p.Thr742Ile; replaces threonine 742 with isoleucine.
Molecular consequence: missense variant.
Genome position (GRCh38, 1-based): chr15:90,766,941, C>T. VCF-style: chr15-90766941-C-T. GRCh37 (hg19) VCF-style: chr15-91310171-C-T.
Other names: c.2225C>T, p.Thr742Ile (NM_001287246.2, NM_001287247.2); c.1100C>T, p.Thr367Ile (NM_001287248.2); short protein forms T742I, T367I.
Identifiers: ClinVar variation 4743744 (VCV004743744.1).